The following is an entry in ClinVar:

ClinVar aggregate classification (germline): Uncertain significance (1 of 4 stars; one submission).

Conditions:
Hereditary cancer-predisposing syndrome. Also called: Neoplastic Syndromes, Hereditary; Tumor predisposition; Hereditary Cancer Syndrome; Hereditary neoplastic syndrome. Identifiers: Orphanet 140162, MedGen C0027672, MeSH D009386, MONDO:0015356.

Allele frequency attached by ClinVar (database versions not stated): TOPMed 0.00001.

Submission:

Ambry Genetics
Classification: Uncertain significance for Hereditary cancer-predisposing syndrome. Last evaluated: 2020-11-27. Review status: criteria provided, single submitter. Criteria: Ambry Variant Classification Scheme 2023. Collection method: clinical testing. Allele origin: germline.
Comment: The p.K613R variant (also known as c.1838A>G), located in coding exon 11 of the NBN gene, results from an A to G substitution at nucleotide position 1838. The lysine at codon 613 is replaced by arginine, an amino acid with highly similar properties. This amino acid position is not well conserved in available vertebrate species, and arginine is the reference amino acid in other vertebrate species. In addition, this alteration is predicted to be tolerated by in silico analysis. Since supporting evidence is limited at this time, the clinical significance of this alteration remains unclear.

NM_002485.5(NBN):c.1838A>G (p.Lys613Arg)

Gene: NBN (nibrin; minus strand). Cytogenetic location: 8q21.3.
Variant type: single nucleotide variant.
Coding change: c.1838A>G on transcript NM_002485.5 (MANE Select); coding-DNA position 1838, A replaced by G.
Protein change: p.Lys613Arg; replaces lysine 613 with arginine.
Molecular consequence: missense variant.
Genome position (GRCh38, 1-based): chr8:89,953,251, T>C on the plus strand (A>G on the coding strand, the complement: NBN is on the minus strand). VCF-style: chr8-89953251-T-C. GRCh37 (hg19) VCF-style: chr8-90965479-T-C.
Other names: c.1592A>G, p.Lys531Arg (NM_001024688.3); short protein forms K531R, K613R.
Identifiers: ClinVar variation 1781076 (VCV001781076.2), dbSNP rs1479338369, ClinGen allele CA371654975.